The following is an entry in ClinVar:

ClinVar aggregate classification (germline): Uncertain significance. Review status: criteria provided, multiple submitters, no conflicts (2 of 4 stars). 2 submissions from 2 submitters: Uncertain significance (2). Last evaluated 2023-08-01.

Conditions:
Congenital myasthenic syndrome 8. Also called: MYASTHENIC SYNDROME, CONGENITAL, DUE TO AGRIN DEFICIENCY; Myasthenic syndrome, congenital, 8, with pre- and postsynaptic defects. Identifiers: Orphanet 590, MedGen C3808739, MONDO:0014052, OMIM 615120.

Allele frequency attached by ClinVar (database versions not stated): ExAC 0.00001; gnomAD exomes 0.00002 and 0.00004; gnomAD 0.00005; TOPMed 0.00006.
gnomAD v4.1: 69 of 1,610,268 alleles (0.0043%); highest among the groups gnomAD compares: Non-Finnish European, 0.0058%; no homozygotes.

Submissions (2):

CeGaT Center for Human Genetics Tuebingen
Classification: Uncertain significance. Last evaluated: 2023-08-01. Review status: criteria provided, single submitter. Criteria: CeGaT Center For Human Genetics Tuebingen Variant Classification Criteria Version 2. Collection method: clinical testing. Allele origin: germline. Affected: yes. Observed: 1 variant allele.
Comment: AGRN: PM2:Supporting

Labcorp Genetics (formerly Invitae), Labcorp
Classification: Uncertain significance for Congenital myasthenic syndrome 8. Last evaluated: 2022-09-01. Review status: criteria provided, single submitter. Criteria: Invitae Variant Classification Sherloc (09022015). Collection method: clinical testing. Allele origin: germline.
Comment: This sequence change replaces isoleucine, which is neutral and non-polar, with valine, which is neutral and non-polar, at codon 1923 of the AGRN protein (p.Ile1923Val). This variant is present in population databases (rs759500435, gnomAD 0.006%). This variant has not been reported in the literature in individuals affected with AGRN-related conditions. ClinVar contains an entry for this variant (Variation ID: 541163). Algorithms developed to predict the effect of missense changes on protein structure and function (SIFT, PolyPhen-2, Align-GVGD) all suggest that this variant is likely to be tolerated. In summary, the available evidence is currently insufficient to determine the role of this variant in disease. Therefore, it has been classified as a Variant of Uncertain Significance.

NM_198576.4(AGRN):c.5767A>G (p.Ile1923Val)

Gene: AGRN (agrin; plus strand). Cytogenetic location: 1p36.33.
Variant type: single nucleotide variant.
Coding change: c.5767A>G on transcript NM_198576.4 (MANE Select); coding-DNA position 5767, A replaced by G.
Protein change: p.Ile1923Val; replaces isoleucine 1923 with valine.
Molecular consequence: missense variant.
Genome position (GRCh38, 1-based): chr1:1,053,868, A>G. VCF-style: chr1-1053868-A-G. GRCh37 (hg19) VCF-style: chr1-989248-A-G.
Other names: c.5836A>G, p.Ile1946Val (NM_001305275.2); c.5464A>G, p.Ile1822Val (NM_001364727.2); short protein forms I1923V, I1946V, I1822V.
Identifiers: ClinVar variation 541163 (VCV000541163.29), dbSNP rs759500435, ClinGen allele CA510229.